The following is an entry in ClinVar:

ClinVar aggregate classification (germline): Conflicting classifications of pathogenicity. Review status: criteria provided, conflicting classifications (1 of 4 stars). 3 submissions from 3 submitters: Uncertain significance (2); Likely benign (1). Last evaluated 2024-08-12.

Conditions:
Dyskeratosis congenita. Identifiers: Orphanet 1775, MedGen C0265965, MONDO:0015780.

Allele frequency attached by ClinVar (database versions not stated): gnomAD 0.00001; TOPMed 0.00003; ExAC 0.00004; gnomAD exomes 0.00004 and 0.00010.
gnomAD v4.1: 24 of 1,613,102 alleles (0.0015%); highest among the groups gnomAD compares: Admixed American, 0.04%; no homozygotes.

Submissions (3):

Mayo Clinic Laboratories, Mayo Clinic
Classification: Uncertain significance. Last evaluated: 2024-08-12. Review status: criteria provided, single submitter. Criteria: ACMG Guidelines, 2015. Collection method: clinical testing. Allele origin: germline. Observed: 1 variant allele.
Comment: BP4

Labcorp Genetics (formerly Invitae), Labcorp
Classification: Uncertain significance for Dyskeratosis congenita. Last evaluated: 2022-10-31. Review status: criteria provided, single submitter. Criteria: Invitae Variant Classification Sherloc (09022015). Collection method: clinical testing. Allele origin: germline.
Comment: This sequence change replaces threonine, which is neutral and polar, with isoleucine, which is neutral and non-polar, at codon 859 of the CTC1 protein (p.Thr859Ile). This variant is present in population databases (rs754425018, gnomAD 0.07%). This variant has not been reported in the literature in individuals affected with CTC1-related conditions. ClinVar contains an entry for this variant (Variation ID: 1358946). Advanced modeling of protein sequence and biophysical properties (such as structural, functional, and spatial information, amino acid conservation, physicochemical variation, residue mobility, and thermodynamic stability) performed at Invitae indicates that this missense variant is not expected to disrupt CTC1 protein function. In summary, the available evidence is currently insufficient to determine the role of this variant in disease. Therefore, it has been classified as a Variant of Uncertain Significance.

Blueprint Genetics
Classification: Likely benign. Last evaluated: 2022-08-09. Review status: criteria provided, single submitter. Criteria: ACMG Guidelines, 2015. Collection method: clinical testing. Allele origin: germline.

NM_025099.6(CTC1):c.2576C>T (p.Thr859Ile)

Gene: CTC1 (CST telomere replication complex component 1; minus strand). Cytogenetic location: 17p13.1.
Variant type: single nucleotide variant.
Coding change: c.2576C>T on transcript NM_025099.6 (MANE Select); coding-DNA position 2576, C replaced by T.
Protein change: p.Thr859Ile; replaces threonine 859 with isoleucine.
Molecular consequence: missense variant. On other transcripts: non-coding transcript variant (1).
Genome position (GRCh38, 1-based): chr17:8,231,369, G>A on the plus strand (C>T on the coding strand, the complement: CTC1 is on the minus strand). VCF-style: chr17-8231369-G-A. GRCh37 (hg19) VCF-style: chr17-8134687-G-A.
Other names: p.Thr859Ile; short protein forms T859I.
Identifiers: ClinVar variation 1358946 (VCV001358946.5), dbSNP rs754425018, ClinGen allele CA8372028.